The following is an entry in ClinVar:

ClinVar aggregate classification (germline): Uncertain significance (1 of 4 stars; one submission).

Conditions:
Autosomal dominant nonsyndromic hearing loss 1. Also called: KONIGSMARK SYNDROME; DEAFNESS, AUTOSOMAL DOMINANT 1, WITH OR WITHOUT THROMBOCYTOPENIA. Identifiers: Orphanet 90635, MedGen C1852282, MONDO:0007424, OMIM 124900.
Progressive microcephaly-seizures-cortical blindness-developmental delay syndrome. Also called: Seizures, cortical blindness, and microcephaly syndrome. Identifiers: Orphanet 477814, MedGen C5567650, MONDO:0014714, OMIM 616632.

Allele frequency attached by ClinVar (database versions not stated): gnomAD exomes below 0.00001 and 0.00001; TOPMed below 0.00001; ExAC 0.00001; gnomAD 0.00001.
gnomAD v4.1: 9 of 1,614,078 alleles (0.00056%); highest among the groups gnomAD compares: Non-Finnish European, 0.00068%; no homozygotes.

Submission:

Labcorp Genetics (formerly Invitae), Labcorp
Classification: Uncertain significance for Progressive microcephaly-seizures-cortical blindness-developmental delay syndrome; Autosomal dominant nonsyndromic hearing loss 1. Last evaluated: 2025-12-29. Review status: criteria provided, single submitter. Criteria: Invitae Variant Classification Sherloc (09022015). Collection method: clinical testing. Allele origin: germline.
Comment: This sequence change replaces tyrosine, which is neutral and polar, with cysteine, which is neutral and slightly polar, at codon 1101 of the DIAPH1 protein (p.Tyr1101Cys). This variant is present in population databases (rs772204178, gnomAD 0.002%). This variant has not been reported in the literature in individuals affected with DIAPH1-related conditions. ClinVar contains an entry for this variant (Variation ID: 1414912). An algorithm developed to predict the effect of missense changes on protein structure and function (PolyPhen-2) suggests that this variant is likely to be disruptive. In summary, the available evidence is currently insufficient to determine the role of this variant in disease. Therefore, it has been classified as a Variant of Uncertain Significance.

NM_005219.5(DIAPH1):c.3302A>G (p.Tyr1101Cys)

Gene: DIAPH1 (diaphanous related formin 1; minus strand). Cytogenetic location: 5q31.3.
Variant type: single nucleotide variant.
Coding change: c.3302A>G on transcript NM_005219.5 (MANE Select); coding-DNA position 3302, A replaced by G.
Protein change: p.Tyr1101Cys; replaces tyrosine 1101 with cysteine.
Molecular consequence: missense variant.
Genome position (GRCh38, 1-based): chr5:141,526,433, T>C on the plus strand (A>G on the coding strand, the complement: DIAPH1 is on the minus strand). VCF-style: chr5-141526433-T-C. GRCh37 (hg19) VCF-style: chr5-140906000-T-C.
Other names: c.3275A>G, p.Tyr1092Cys (NM_001079812.3); c.3302A>G, p.Tyr1101Cys (NM_001314007.2); short protein forms Y1101C, Y1092C.
Identifiers: ClinVar variation 1414912 (VCV001414912.8), dbSNP rs772204178, ClinGen allele CA3478806.
Genomic context (GRCh38, chr5:141,526,433, plus strand): 5'-TACTCGCCCAGCTCCTTATAGAGGGTCTCCATGTTAGAATGCATCATCCGCAGCTTGTTA[T>C]ACTGTTCCTGTGCATCCTTCACAAAGCTGTGCAGCCAAGGAGTAAAGGACCAAGACCAAG-3'
Protein context (NP_005210.3, residues 1091-1111): TSFVKDAQEQ[Tyr1101Cys]NKLRMMHSNM